The following is an entry in ClinVar:

ClinVar aggregate classification (germline): Uncertain significance (1 of 4 stars; one submission).

Submission:

Labcorp Genetics (formerly Invitae), Labcorp
Classification: Uncertain significance. Last evaluated: 2025-05-30. Review status: criteria provided, single submitter. Criteria: Invitae Variant Classification Sherloc (09022015). Collection method: clinical testing. Allele origin: germline.
Comment: This sequence change replaces glutamine, which is neutral and polar, with leucine, which is neutral and non-polar, at codon 628 of the NYNRIN protein (p.Gln628Leu). This variant is not present in population databases (gnomAD no frequency). This variant has not been reported in the literature in individuals affected with NYNRIN-related conditions. Experimental studies and prediction algorithms are not available or were not evaluated, and the functional significance of this variant is currently unknown. In summary, the available evidence is currently insufficient to determine the role of this variant in disease. Therefore, it has been classified as a Variant of Uncertain Significance.

NM_025081.3(NYNRIN):c.1883A>T (p.Gln628Leu)

Gene: NYNRIN (NYN domain and retroviral integrase containing; plus strand). Cytogenetic location: 14q12.
Variant type: single nucleotide variant.
Coding change: c.1883A>T on transcript NM_025081.3 (MANE Select); coding-DNA position 1883, A replaced by T.
Protein change: p.Gln628Leu; replaces glutamine 628 with leucine.
Molecular consequence: missense variant.
Genome position (GRCh38, 1-based): chr14:24,409,677, A>T. VCF-style: chr14-24409677-A-T. GRCh37 (hg19) VCF-style: chr14-24878883-A-T.
Other names: short protein forms Q628L.
Identifiers: ClinVar variation 4803880 (VCV004803880.1).